The following is an entry in ClinVar:

ClinVar aggregate classification (germline): Benign/Likely benign. Review status: criteria provided, multiple submitters, no conflicts (2 of 4 stars). 4 submissions from 4 submitters: Benign (1); Likely benign (2). 1 of the submissions does not count toward it. Last evaluated 2025-12-30.

Conditions:
Neuronal ceroid lipofuscinosis 2. Also called: JANSKY-BIELSCHOWSKY DISEASE NEURONAL CEROID LIPOFUSCINOSIS, LATE INFANTILE; TPP1-Related Neuronal Ceroid-Lipofuscinosis. Identifiers: Orphanet 168491, Orphanet 228349, Orphanet 79264, MedGen C1876161, MONDO:0008769, OMIM 204500.

Allele frequency attached by ClinVar (database versions not stated): gnomAD exomes below 0.00001 and 0.00001; ExAC 0.00001; gnomAD 0.00004 and 0.00005; TOPMed 0.00007.
gnomAD v4.1: 11 of 1,614,088 alleles (0.00068%); highest among the groups gnomAD compares: African/African-American, 0.015%; no homozygotes.

Submissions (4):

Labcorp Genetics (formerly Invitae), Labcorp
Classification: Likely benign. Last evaluated: 2025-12-30. Review status: criteria provided, single submitter. Criteria: Invitae Variant Classification Sherloc (09022015). Collection method: clinical testing. Allele origin: germline.

Blueprint Genetics
Classification: Likely benign. Last evaluated: 2023-12-08. Review status: criteria provided, single submitter. Criteria: ACMG Guidelines, 2015. Collection method: clinical testing. Allele origin: germline.

GeneDx
Classification: Benign. Last evaluated: 2013-08-19. Review status: criteria provided, single submitter. Criteria: GeneDx Variant Classification (06012015). Collection method: clinical testing. Allele origin: germline. Affected: yes.
Comment: This variant is considered likely benign or benign based on one or more of the following criteria: it is a conservative change, it occurs at a poorly conserved position in the protein, it is predicted to be benign by multiple in silico algorithms, and/or has population frequency not consistent with disease.

Counsyl
Classification: Likely benign for Neuronal ceroid lipofuscinosis 2. Last evaluated: 2017-12-28. Review status: no assertion criteria provided. Collection method: clinical testing. Allele origin: unknown. Not counted in ClinVar's aggregate classification.

NM_000391.4(TPP1):c.1125C>T (p.Arg375=)

Gene: TPP1 (tripeptidyl peptidase 1; minus strand). Cytogenetic location: 11p15.4.
Variant type: single nucleotide variant.
Coding change: c.1125C>T on transcript NM_000391.4 (MANE Select); coding-DNA position 1125, C replaced by T.
Protein change: p.Arg375=; no amino-acid change (arginine 375 retained).
Molecular consequence: synonymous variant.
Genome position (GRCh38, 1-based): chr11:6,616,025, G>A on the plus strand (C>T on the coding strand, the complement: TPP1 is on the minus strand). VCF-style: chr11-6616025-G-A. GRCh37 (hg19) VCF-style: chr11-6637256-G-A.
Other names: p.R375R:CGC>CGT.
Identifiers: ClinVar variation 137702 (VCV000137702.14), dbSNP rs587780972, ClinGen allele CA291358.
Genomic context (GRCh38, chr11:6,616,025, plus strand): 5'-AGGTGGTGGTTATACCTGAGTGGTAGGCTAGAGTACTTACCTGGAGGCAGGGAAGGTAGG[G>A]CGGAACTGGTGTCTTCCAGAGACAGACCAACACCCGGCCCCACTGTCACCTGAGAGAGAC-3'
Protein context (NP_000382.3, residues 365-385): CWSVSGRHQF[Arg375=]PTFPASSPYV